The following is an entry in ClinVar:

NM_000038.6(APC):c.5544T>C (p.Pro1848=)

Gene: APC (APC regulator of Wnt signaling pathway; plus strand). Cytogenetic location: 5q22.2.
Variant type: single nucleotide variant.
Coding change: c.5544T>C on transcript NM_000038.6 (MANE Select); coding-DNA position 5544, T replaced by C.
Protein change: p.Pro1848=; no amino-acid change (proline 1848 retained).
Molecular consequence: synonymous variant.
Genome position (GRCh38, 1-based): chr5:112,841,138, T>C. VCF-style: chr5-112841138-T-C. GRCh37 (hg19) VCF-style: chr5-112176835-T-C.
Other names: c.5544T>C, p.Pro1848= (NM_001127510.3, NM_001354895.2); c.5490T>C, p.Pro1830= (NM_001127511.3); c.5598T>C, p.Pro1866= (NM_001354896.2); c.5574T>C, p.Pro1858= (NM_001354897.2); c.5469T>C, p.Pro1823= (NM_001354898.2); c.5460T>C, p.Pro1820= (NM_001354899.2); c.5421T>C, p.Pro1807= (NM_001354900.2); c.5367T>C, p.Pro1789= (NM_001354901.2); and 5 more.
Identifiers: ClinVar variation 825820 (VCV000825820.7), dbSNP rs1294772411, ClinGen allele CA446208923.

ClinVar aggregate classification (germline): Benign/Likely benign. Review status: criteria provided, multiple submitters, no conflicts (2 of 4 stars). 3 submissions from 3 submitters: Benign (1); Likely benign (2). Last evaluated 2025-08-07.

Conditions:
Hereditary cancer-predisposing syndrome. Also called: Neoplastic Syndromes, Hereditary; Tumor predisposition; Hereditary neoplastic syndrome; Hereditary Cancer Syndrome. Identifiers: Orphanet 140162, MedGen C0027672, MeSH D009386, MONDO:0015356.
Familial adenomatous polyposis 1 (FAP1). Also called: POLYPOSIS, ADENOMATOUS INTESTINAL; FAMILIAL ADENOMATOUS POLYPOSIS 1, ATTENUATED. Identifiers: MedGen C2713442, MONDO:0021056, OMIM 175100. Disease mechanism: loss of function.

Allele frequency attached by ClinVar (database versions not stated): gnomAD exomes below 0.00001 and 0.00001.
gnomAD v4.1: 3 of 1,613,036 alleles (0.00019%); highest among the groups gnomAD compares: South Asian, 0.0011%; no homozygotes.

Submissions (3):

Labcorp Genetics (formerly Invitae), Labcorp
Classification: Likely benign for Familial adenomatous polyposis 1. Last evaluated: 2025-08-07. Review status: criteria provided, single submitter. Criteria: Invitae Variant Classification Sherloc (09022015). Collection method: clinical testing. Allele origin: germline.

Myriad Genetics, Inc.
Classification: Benign for Familial adenomatous polyposis 1. Last evaluated: 2024-04-02. Review status: criteria provided, single submitter. Criteria: Myriad Autosomal Dominant, Autosomal Recessive and X-Linked Classification Criteria (2023). Collection method: clinical testing. Allele origin: unknown.
Comment: This variant is considered benign. This variant is a silent/synonymous amino acid change and it is not expected to impact splicing.

Ambry Genetics
Classification: Likely benign for Hereditary cancer-predisposing syndrome. Last evaluated: 2019-12-11. Review status: criteria provided, single submitter. Criteria: Ambry Variant Classification Scheme 2023. Collection method: clinical testing. Allele origin: germline.